The following is an entry in ClinVar:

NM_198994.3(TGM6):c.1523G>T (p.Gly508Val)

Gene: TGM6 (transglutaminase 6; plus strand). Cytogenetic location: 20p13.
Variant type: single nucleotide variant.
Coding change: c.1523G>T on transcript NM_198994.3 (MANE Select); coding-DNA position 1523, G replaced by T.
Protein change: p.Gly508Val; replaces glycine 508 with valine.
Molecular consequence: missense variant.
Genome position (GRCh38, 1-based): chr20:2,417,418, G>T. VCF-style: chr20-2417418-G-T. GRCh37 (hg19) VCF-style: chr20-2398064-G-T.
Other names: c.1523G>T, p.Gly508Val (NM_001254734.2); short protein forms G508V.
Identifiers: ClinVar variation 3715120 (VCV003715120.2).

ClinVar aggregate classification (germline): Uncertain significance (1 of 4 stars; one submission).

gnomAD v4.1: 4 of 1,612,942 alleles (0.00025%); highest among the groups gnomAD compares: Admixed American, 0.0017%; no homozygotes.

Submission:

Labcorp Genetics (formerly Invitae), Labcorp
Classification: Uncertain significance. Last evaluated: 2024-07-31. Review status: criteria provided, single submitter. Criteria: Invitae Variant Classification Sherloc (09022015). Collection method: clinical testing. Allele origin: germline.
Comment: This sequence change replaces glycine, which is neutral and non-polar, with valine, which is neutral and non-polar, at codon 508 of the TGM6 protein (p.Gly508Val). This variant is present in population databases (rs140719871, gnomAD 0.002%). This variant has not been reported in the literature in individuals affected with TGM6-related conditions. Advanced modeling of protein sequence and biophysical properties (such as structural, functional, and spatial information, amino acid conservation, physicochemical variation, residue mobility, and thermodynamic stability) performed at Invitae indicates that this missense variant is expected to disrupt TGM6 protein function with a positive predictive value of 80%. In summary, the available evidence is currently insufficient to determine the role of this variant in disease. Therefore, it has been classified as a Variant of Uncertain Significance.